The following is an entry in ClinVar:

ClinVar aggregate classification (germline): Pathogenic (1 of 4 stars; one submission).

Conditions:
Primary ciliary dyskinesia 9. Also called: CILIARY DYSKINESIA, PRIMARY, 9, WITH OR WITHOUT SITUS INVERSUS. Identifiers: Orphanet 244, MedGen C2676235, MONDO:0012906, OMIM 612444.

Submission:

Myriad Genetics, Inc.
Classification: Pathogenic for Primary ciliary dyskinesia 9. Last evaluated: 2024-05-14. Review status: criteria provided, single submitter. Criteria: Myriad Autosomal Dominant, Autosomal Recessive and X-Linked Classification Criteria (2023). Collection method: clinical testing. Allele origin: unknown.
Comment: NM_023036.4(DNAI2):c.1176delTinsAA(E393Rfs*20) is expected to be pathogenic in the context of primary ciliary dyskinesia, DNAI2-related. This variant is predicted to lead to an abnormal or absent protein product due to the creation of a premature termination codon in DNAI2, a gene where loss-of-function variants are known to be pathogenic. Please note: this variant was assessed in the context of healthy population screening.

NM_023036.6(DNAI2):c.1176delinsAA (p.Glu393fs)

Gene: DNAI2 (dynein axonemal intermediate chain 2; plus strand). Cytogenetic location: 17q25.1.
Variant type: Indel.
Coding change: c.1176delinsAA on transcript NM_023036.6 (MANE Select); coding-DNA position 1176, T replaced by AA.
Protein change: p.Glu393fs; shifts the reading frame from glutamic acid 393.
Molecular consequence: frameshift variant. On other transcripts: non-coding transcript variant (1).
Genome position (GRCh38, 1-based): chr17:74,305,407, T replaced by AA. VCF-style: chr17-74305407-T-AA. GRCh37 (hg19) VCF-style: chr17-72301546-T-AA.
Other names: c.1176delinsAA, p.Glu393fs (NM_001172810.3, NM_001353167.2); short protein forms E393fs.
Identifiers: ClinVar variation 5010722 (VCV005010722.1).